The following is an entry in ClinVar:

NM_014363.6(SACS):c.7528G>T (p.Ala2510Ser)

Gene: SACS (sacsin molecular chaperone; minus strand). Cytogenetic location: 13q12.12.
Variant type: single nucleotide variant.
Coding change: c.7528G>T on transcript NM_014363.6 (MANE Select); coding-DNA position 7528, G replaced by T.
Protein change: p.Ala2510Ser; replaces alanine 2510 with serine.
Molecular consequence: missense variant.
Genome position (GRCh38, 1-based): chr13:23,336,348, C>A on the plus strand (G>T on the coding strand, the complement: SACS is on the minus strand). VCF-style: chr13-23336348-C-A. GRCh37 (hg19) VCF-style: chr13-23910487-C-A.
Other names: c.7087G>T, p.Ala2363Ser (NM_001278055.2); c.7555G>T, p.Ala2519Ser (NM_001437336.1); short protein forms A2363S, A2510S, A2519S.
Identifiers: ClinVar variation 4743402 (VCV004743402.1).

ClinVar aggregate classification (germline): Uncertain significance (1 of 4 stars; one submission).

Conditions:
Spastic paraplegia. Identifiers: MedGen C0037772, HP:0001258.

gnomAD v4.1: 2 of 1,614,098 alleles (0.00012%); highest among the groups gnomAD compares: Admixed American, 0.0033%; no homozygotes.

Submission:

Labcorp Genetics (formerly Invitae), Labcorp
Classification: Uncertain significance for Spastic paraplegia. Last evaluated: 2025-09-16. Review status: criteria provided, single submitter. Criteria: Invitae Variant Classification Sherloc (09022015). Collection method: clinical testing. Allele origin: germline.
Comment: This sequence change replaces alanine, which is neutral and non-polar, with serine, which is neutral and polar, at codon 2510 of the SACS protein (p.Ala2510Ser). This variant is present in population databases (no rsID available, gnomAD 0.003%). This variant has not been reported in the literature in individuals affected with SACS-related conditions. Invitae Evidence Modeling of protein sequence and biophysical properties (such as structural, functional, and spatial information, amino acid conservation, physicochemical variation, residue mobility, and thermodynamic stability) indicates that this missense variant is not expected to disrupt SACS protein function with a negative predictive value of 95%. In summary, the available evidence is currently insufficient to determine the role of this variant in disease. Therefore, it has been classified as a Variant of Uncertain Significance.